The following is an entry in ClinVar:

ClinVar aggregate classification (germline): Uncertain significance (1 of 4 stars; one submission).

Submission:

GeneDx
Classification: Uncertain significance. Last evaluated: 2024-02-12. Review status: criteria provided, single submitter. Criteria: GeneDx Variant Classification Process June 2021. Collection method: clinical testing. Allele origin: germline. Affected: yes.
Comment: In-frame deletion of 4 amino acids in a non-repeat region; Not observed at significant frequency in large population cohorts (gnomAD); In silico analysis supports a deleterious effect on protein structure/function; Has not been previously published as pathogenic or benign to our knowledge

NM_001145809.2(MYH14):c.3862_3873del (p.Glu1288_Val1291del)

Gene: MYH14 (myosin heavy chain 14; plus strand). Cytogenetic location: 19q13.33.
Variant type: Deletion.
Coding change: c.3862_3873del on transcript NM_001145809.2 (MANE Select); coding-DNA positions 3862 to 3873, 12 bases deleted (GAGGCCGAGGTG).
Protein change: p.Glu1288_Val1291del.
Molecular consequence: inframe deletion.
Genome position (GRCh38, 1-based): chr19:50,278,119-50,278,130, GAGGCCGAGGTG deleted; deleting any 12 consecutive bases within chr19:50,278,117-50,278,130 gives the same sequence; the c. name uses the placement nearest the transcript's 3' end. VCF-style (leftmost placement, unchanged base first): chr19-50278116-CTGGAGGCCGAGG-C. GRCh37 (hg19) VCF-style: chr19-50781373-CTGGAGGCCGAGG-C.
Other names: c.3763_3774del, p.Glu1255_Val1258del (NM_001077186.2); c.3739_3750del, p.Glu1247_Val1250del (NM_024729.4).
Identifiers: ClinVar variation 3368715 (VCV003368715.1).
Genomic context (GRCh38, chr19:50,278,116, plus strand): 5'-TCTTTGCTCATCTCCTTCCCACACCAGGGCAAAGGTGCATGGGAGAAGACCCGGCTGGCC[CTGGAGGCCGAGG>C]TGTCCGAGCTGCGGGCAGAACTGAGCAGCCTGCAGACTGCACGTCAGGAGGGTGAGCAGC-3'